The following is an entry in ClinVar:

NM_001193313.2(SUGCT):c.1255G>A (p.Asp419Asn)

Gene: SUGCT (succinyl-CoA:glutarate-CoA transferase; plus strand). Cytogenetic location: 7p14.1.
Variant type: single nucleotide variant.
Coding change: c.1255G>A on transcript NM_001193313.2 (MANE Select); coding-DNA position 1255, G replaced by A.
Protein change: p.Asp419Asn; replaces aspartic acid 419 with asparagine.
Molecular consequence: missense variant.
Genome position (GRCh38, 1-based): chr7:40,860,417, G>A. VCF-style: chr7-40860417-G-A. GRCh37 (hg19) VCF-style: chr7-40900016-G-A.
Other names: c.1333G>A, p.Asp445Asn (NM_001193311.2); c.1111G>A, p.Asp371Asn (NM_001193312.2); c.1222G>A, p.Asp408Asn (NM_024728.3); short protein forms D371N, D419N, D445N, D408N.
Identifiers: ClinVar variation 1496969 (VCV001496969.6), dbSNP rs769042792, ClinGen allele CA4229791.

ClinVar aggregate classification (germline): Uncertain significance (1 of 4 stars; one submission).

Allele frequency attached by ClinVar (database versions not stated): gnomAD exomes below 0.00001 and 0.00001; ExAC 0.00001.
gnomAD v4.1: 7 of 1,613,968 alleles (0.00043%); highest among the groups gnomAD compares: South Asian, 0.0022%; no homozygotes.

Submission:

Labcorp Genetics (formerly Invitae), Labcorp
Classification: Uncertain significance. Last evaluated: 2022-07-12. Review status: criteria provided, single submitter. Criteria: Invitae Variant Classification Sherloc (09022015). Collection method: clinical testing. Allele origin: germline.
Comment: This sequence change replaces aspartic acid, which is acidic and polar, with asparagine, which is neutral and polar, at codon 415 of the SUGCT protein (p.Asp415Asn). This variant is present in population databases (rs769042792, gnomAD 0.003%). This variant has not been reported in the literature in individuals affected with SUGCT-related conditions. ClinVar contains an entry for this variant (Variation ID: 1496969). Algorithms developed to predict the effect of missense changes on protein structure and function output the following: SIFT: "Tolerated"; PolyPhen-2: "Not Available"; Align-GVGD: "Class C0". The asparagine amino acid residue is found in multiple mammalian species, which suggests that this missense change does not adversely affect protein function. In summary, the available evidence is currently insufficient to determine the role of this variant in disease. Therefore, it has been classified as a Variant of Uncertain Significance.